The following is an entry in ClinVar:

ClinVar aggregate classification (germline): Uncertain significance (1 of 4 stars; one submission).

Conditions:
Mitochondrial hypertrophic cardiomyopathy with lactic acidosis due to MTO1 deficiency. Also called: Combined oxidative phosphorylation deficiency 10; CARDIOMYOPATHY, INFANTILE HYPERTROPHIC MITOCHONDRIAL, AND LACTIC ACIDOSIS. Identifiers: Orphanet 314637, MedGen C4749921, MONDO:0013865, OMIM 614702.

Submission:

Labcorp Genetics (formerly Invitae), Labcorp
Classification: Uncertain significance for Mitochondrial hypertrophic cardiomyopathy with lactic acidosis due to MTO1 deficiency. Last evaluated: 2021-12-21. Review status: criteria provided, single submitter. Criteria: Invitae Variant Classification Sherloc (09022015). Collection method: clinical testing. Allele origin: germline.
Comment: In summary, the available evidence is currently insufficient to determine the role of this variant in disease. Therefore, it has been classified as a Variant of Uncertain Significance. Algorithms developed to predict the effect of sequence changes on RNA splicing suggest that this variant may create or strengthen a splice site. Algorithms developed to predict the effect of missense changes on protein structure and function are either unavailable or do not agree on the potential impact of this missense change (SIFT: "Tolerated"; PolyPhen-2: "Possibly Damaging"; Align-GVGD: "Class C0"). This variant has not been reported in the literature in individuals affected with MTO1-related conditions. This variant is not present in population databases (gnomAD no frequency). This sequence change replaces methionine, which is neutral and non-polar, with valine, which is neutral and non-polar, at codon 75 of the MTO1 protein (p.Met75Val).

NM_012123.4(MTO1):c.223A>G (p.Met75Val)

Gene: MTO1 (mitochondrial tRNA translation optimization 1; plus strand). Cytogenetic location: 6q13.
Variant type: single nucleotide variant.
Coding change: c.223A>G on transcript NM_012123.4 (MANE Select); coding-DNA position 223, A replaced by G.
Protein change: p.Met75Val; replaces methionine 75 with valine.
Molecular consequence: missense variant.
Genome position (GRCh38, 1-based): chr6:73,466,214, A>G. VCF-style: chr6-73466214-A-G. GRCh37 (hg19) VCF-style: chr6-74175937-A-G.
Other names: c.223A>G, p.Met75Val (NM_001123226.2, NM_133645.3); short protein forms M75V.
Identifiers: ClinVar variation 2051687 (VCV002051687.3), dbSNP rs2533244821, ClinGen allele CA364712461.